The following is an entry in ClinVar:

ClinVar aggregate classification (germline): Likely pathogenic (1 of 4 stars; one submission).

Conditions:
Metaphyseal acroscyphodysplasia. Also called: CUPPED METAPHYSES AND CONE-SHAPED EPIPHYSES OF KNEES WITH BRACHYDACTYLY; Wedge-shaped epiphyses of knees. Identifiers: Orphanet 1240, MedGen C1855243, MONDO:0009592, OMIM 250215.

Submission:

Pediatrics, Sichuan Provincial Hospital For Women And Children
Classification: Likely pathogenic for Metaphyseal acroscyphodysplasia. Last evaluated: 2023-07-28. Review status: criteria provided, single submitter. Criteria: ACMG Guidelines, 2015. Collection method: provider interpretation. Allele origin: de novo. Inheritance: Autosomal dominant inheritance. Affected: yes. Observed: 1 heterozygote.
Comment: PM2+PM5+PM6. PM2: The variant was rare and was not recorded in the gnomAD East Asian population database. PM5: Another variant at the same amino acid position, p.Pro225Thr, was classified as likely pathogenic.

Literature cited by the submitters: PubMed 30006632; PubMed 26763073; PubMed 24203977.

NM_001104631.2(PDE4D):c.673C>T (p.Pro225Ser)

Gene: PDE4D (phosphodiesterase 4D; minus strand). Cytogenetic location: 5q11.2.
Variant type: single nucleotide variant.
Coding change: c.673C>T on transcript NM_001104631.2 (MANE Select); coding-DNA position 673, C replaced by T.
Protein change: p.Pro225Ser; replaces proline 225 with serine.
Molecular consequence: missense variant. On other transcripts: 5 prime UTR variant (3).
Genome position (GRCh38, 1-based): chr5:59,193,511, G>A on the plus strand (C>T on the coding strand, the complement: PDE4D is on the minus strand). VCF-style: chr5-59193511-G-A. GRCh37 (hg19) VCF-style: chr5-58489337-G-A.
Other names: PDE4D:NM_001104631:c.673C>T:p.Pro225Ser; c.460C>T, p.Pro154Ser (NM_001349241.2); c.343C>T, p.Pro115Ser (NM_001349242.2); c.-22C>T (NM_001349243.2, NM_001364604.1); c.490C>T, p.Pro164Ser (NM_001364599.1, NM_001364600.2, NM_001165899.2); c.481C>T, p.Pro161Ser (NM_001364602.2, NM_001197218.2); c.-278C>T (NM_001364603.1); c.265C>T, p.Pro89Ser (NM_006203.5); and 2 more; short protein forms P103S, P115S, P154S, P161S, P164S, P225S, P89S, P95S.
Identifiers: ClinVar variation 4687864 (VCV004687864.1).